The following is an entry in ClinVar:

NM_001029883.3(PCARE):c.337G>T (p.Asp113Tyr)

Gene: PCARE (photoreceptor cilium actin regulator; minus strand). Cytogenetic location: 2p23.2.
Variant type: single nucleotide variant.
Coding change: c.337G>T on transcript NM_001029883.3 (MANE Select); coding-DNA position 337, G replaced by T.
Protein change: p.Asp113Tyr; replaces aspartic acid 113 with tyrosine.
Molecular consequence: missense variant.
Genome position (GRCh38, 1-based): chr2:29,073,925, C>A on the plus strand (G>T on the coding strand, the complement: PCARE is on the minus strand). VCF-style: chr2-29073925-C-A. GRCh37 (hg19) VCF-style: chr2-29296791-C-A.
Other names: short protein forms D113Y.
Identifiers: ClinVar variation 1901821 (VCV001901821.6), dbSNP rs2465280122, ClinGen allele CA346482523.

ClinVar aggregate classification (germline): Uncertain significance. Review status: criteria provided, multiple submitters, no conflicts (2 of 4 stars). 2 submissions from 2 submitters: Uncertain significance (2). Last evaluated 2024-10-15.

gnomAD v4.1: 1 of 1,614,256 alleles (0.000062%); no homozygotes.

Submissions (2):

Labcorp Genetics (formerly Invitae), Labcorp
Classification: Uncertain significance. Last evaluated: 2024-10-15. Review status: criteria provided, single submitter. Criteria: Invitae Variant Classification Sherloc (09022015). Collection method: clinical testing. Allele origin: germline.
Comment: This sequence change replaces aspartic acid, which is acidic and polar, with tyrosine, which is neutral and polar, at codon 113 of the PCARE protein (p.Asp113Tyr). This variant is not present in population databases (gnomAD no frequency). This variant has not been reported in the literature in individuals affected with PCARE-related conditions. ClinVar contains an entry for this variant (Variation ID: 1901821). An algorithm developed to predict the effect of missense changes on protein structure and function (PolyPhen-2) suggests that this variant is likely to be disruptive. In summary, the available evidence is currently insufficient to determine the role of this variant in disease. Therefore, it has been classified as a Variant of Uncertain Significance.

Blueprint Genetics
Classification: Uncertain significance. Last evaluated: 2021-11-02. Review status: criteria provided, single submitter. Criteria: ACMG Guidelines, 2015. Collection method: clinical testing. Allele origin: germline.